The following is an entry in ClinVar:

ClinVar aggregate classification (germline): Uncertain significance. Review status: criteria provided, single submitter (1 of 4 stars). 2 submissions from 2 submitters: Uncertain significance (1). 1 of the submissions does not count toward it. Last evaluated 2021-09-09.

Conditions:
NCOA1-related disorder. Also called: NCOA1-related condition.

Allele frequency attached by ClinVar (database versions not stated): gnomAD exomes below 0.00001; ExAC 0.00001; gnomAD 0.00001; 1000 Genomes Project 30x 0.00016; 1000 Genomes Project 0.00020.
gnomAD v4.1: 7 of 1,614,142 alleles (0.00043%); highest among the groups gnomAD compares: Admixed American, 0.01%; no homozygotes.

Submissions (2):

Ambry Genetics
Classification: Uncertain significance. Last evaluated: 2021-09-09. Review status: criteria provided, single submitter. Criteria: Ambry Variant Classification Scheme 2023. Collection method: clinical testing. Allele origin: germline.

PreventionGenetics, part of Exact Sciences
Classification: Uncertain significance for NCOA1-related condition. Last evaluated: 2024-03-15. Review status: no assertion criteria provided. Collection method: clinical testing. Allele origin: germline. Not counted in ClinVar's aggregate classification.
Comment: The NCOA1 c.1505G>A variant is predicted to result in the amino acid substitution p.Arg502Lys. To our knowledge, this variant has not been reported in the literature. This variant is reported in 0.0029% of alleles in individuals of Latino descent in gnomAD. At this time, the clinical significance of this variant is uncertain due to the absence of conclusive functional and genetic evidence.

NM_003743.5(NCOA1):c.1505G>A (p.Arg502Lys)

Gene: NCOA1 (nuclear receptor coactivator 1; plus strand). Cytogenetic location: 2p23.3.
Variant type: single nucleotide variant.
Coding change: c.1505G>A on transcript NM_003743.5 (MANE Select); coding-DNA position 1505, G replaced by A.
Protein change: p.Arg502Lys; replaces arginine 502 with lysine.
Molecular consequence: missense variant.
Genome position (GRCh38, 1-based): chr2:24,706,975, G>A. VCF-style: chr2-24706975-G-A. GRCh37 (hg19) VCF-style: chr2-24929844-G-A.
Other names: c.1505G>A, p.Arg502Lys (NM_001362950.1, NM_001362952.1, NM_001362954.1 and 3 more transcripts); short protein forms R502K.
Identifiers: ClinVar variation 3183435 (VCV003183435.2), dbSNP rs180834409, ClinGen allele CA1552267.